The following is an entry in ClinVar:

NM_005912.3(MC4R):c.742A>G (p.Thr248Ala)

Gene: MC4R (melanocortin 4 receptor; minus strand). Cytogenetic location: 18q21.32.
Variant type: single nucleotide variant.
Coding change: c.742A>G on transcript NM_005912.3 (MANE Select); coding-DNA position 742, A replaced by G.
Protein change: p.Thr248Ala; replaces threonine 248 with alanine.
Molecular consequence: missense variant.
Genome position (GRCh38, 1-based): chr18:60,371,608, T>C on the plus strand (A>G on the coding strand, the complement: MC4R is on the minus strand). VCF-style: chr18-60371608-T-C. GRCh37 (hg19) VCF-style: chr18-58038841-T-C.
Other names: short protein forms T248A.
Identifiers: ClinVar variation 4987104 (VCV004987104.1).

ClinVar aggregate classification (germline): Uncertain significance (1 of 4 stars; one submission).

Conditions:
MC4R-related disorder. Also called: MC4R-related condition.

Submission:

PreventionGenetics, part of Exact Sciences
Classification: Uncertain significance for MC4R-related condition. Last evaluated: 2024-10-30. Review status: criteria provided, single submitter. Criteria: ACMG Guidelines, 2015. Collection method: clinical testing. Allele origin: germline.
Comment: The MC4R c.742A>G variant is predicted to result in the amino acid substitution p.Thr248Ala. This variant has been reported in an individual with obesity (Tables S2 and S5, Namjou et al. 2020. PubMed ID: 32952152). This variant has not been reported in a large population database, indicating this variant is rare. At this time, the clinical significance of this variant is uncertain due to the absence of conclusive functional and genetic evidence.